The following is an entry in ClinVar:

NM_001378778.1(MPDZ):c.4538A>G (p.Glu1513Gly)

Gene: MPDZ (multiple PDZ domain crumbs cell polarity complex component; minus strand). Cytogenetic location: 9p23.
Variant type: single nucleotide variant.
Coding change: c.4538A>G on transcript NM_001378778.1 (MANE Select); coding-DNA position 4538, A replaced by G.
Protein change: p.Glu1513Gly; replaces glutamic acid 1513 with glycine.
Molecular consequence: missense variant.
Genome position (GRCh38, 1-based): chr9:13,126,699, T>C on the plus strand (A>G on the coding strand, the complement: MPDZ is on the minus strand). VCF-style: chr9-13126699-T-C. GRCh37 (hg19) VCF-style: chr9-13126698-T-C.
Other names: c.4328A>G, p.Glu1443Gly (NM_001375423.1, NM_001375424.1, NM_001375425.1 and 4 more transcripts); c.4130A>G, p.Glu1377Gly (NM_001375427.1); c.4538A>G, p.Glu1513Gly (NM_003829.5, NM_001330637.2); c.4439A>G, p.Glu1480Gly (NM_001261406.2, NM_001261407.2, NM_001375416.1 and 3 more transcripts); c.4637A>G, p.Glu1546Gly (NM_001375413.1); short protein forms E1480G, E1443G, E1546G, E1377G, E1513G.
Identifiers: ClinVar variation 1369213 (VCV001369213.28), dbSNP rs768557926, ClinGen allele CA4986664.
Genomic context (GRCh38, chr9:13,126,699, plus strand): 5'-CTCCCCAACTACTTAATGACAGCAAGAAAGGTAAACCTCACCGTGGCTGCTACCCCATGC[T>C]CTGTTAAGCTCTTTATGATGACTCCACTGAGTGTATCTTCTTCGCTGATAGCAATACCCA-3'
Protein context (NP_001365707.1, residues 1503-1523): LSGVIIKSLT[Glu1513Gly]HGVAATDGRL

ClinVar aggregate classification (germline): Uncertain significance. Review status: criteria provided, multiple submitters, no conflicts (2 of 4 stars). 2 submissions from 2 submitters: Uncertain significance (2). Last evaluated 2022-10-13.

Allele frequency attached by ClinVar (database versions not stated): gnomAD 0.00001; TOPMed 0.00001; gnomAD exomes 0.00002 and 0.00003; ExAC 0.00003.

Submissions (2):

Labcorp Genetics (formerly Invitae), Labcorp
Classification: Uncertain significance. Last evaluated: 2022-10-13. Review status: criteria provided, single submitter. Criteria: Invitae Variant Classification Sherloc (09022015). Collection method: clinical testing. Allele origin: germline.
Comment: This sequence change replaces glutamic acid, which is acidic and polar, with glycine, which is neutral and non-polar, at codon 1513 of the MPDZ protein (p.Glu1513Gly). This variant is present in population databases (rs768557926, gnomAD 0.01%). This variant has not been reported in the literature in individuals affected with MPDZ-related conditions. ClinVar contains an entry for this variant (Variation ID: 1369213). Algorithms developed to predict the effect of missense changes on protein structure and function are either unavailable or do not agree on the potential impact of this missense change (SIFT: "Deleterious"; PolyPhen-2: "Possibly Damaging"; Align-GVGD: "Class C15"). In summary, the available evidence is currently insufficient to determine the role of this variant in disease. Therefore, it has been classified as a Variant of Uncertain Significance.

CeGaT Center for Human Genetics Tuebingen
Classification: Uncertain significance. Last evaluated: 2022-08-01. Review status: criteria provided, single submitter. Criteria: CeGaT Center For Human Genetics Tuebingen Variant Classification Criteria Version 2. Collection method: clinical testing. Allele origin: germline. Affected: yes. Observed: 1 variant allele.
Comment: MPDZ: PM2, BP4